The following is an entry in ClinVar:

NM_005733.3(KIF20A):c.1240C>T (p.Arg414Cys)

Gene: KIF20A (kinesin family member 20A; plus strand). Cytogenetic location: 5q31.2.
Variant type: single nucleotide variant.
Coding change: c.1240C>T on transcript NM_005733.3 (MANE Select); coding-DNA position 1240, C replaced by T.
Protein change: p.Arg414Cys; replaces arginine 414 with cysteine.
Molecular consequence: missense variant.
Genome position (GRCh38, 1-based): chr5:138,183,993, C>T. VCF-style: chr5-138183993-C-T. GRCh37 (hg19) VCF-style: chr5-137519682-C-T.
Other names: c.1240C>T (NM_005733.2); short protein forms R414C.
Identifiers: ClinVar variation 1411060 (VCV001411060.9), dbSNP rs776769165, ClinGen allele CA3426552.

ClinVar aggregate classification (germline): Uncertain significance. Review status: criteria provided, multiple submitters, no conflicts (2 of 4 stars). 2 submissions from 2 submitters: Uncertain significance (2). Last evaluated 2025-10-29.

gnomAD v4.1: 17 of 1,613,988 alleles (0.0011%); highest among the groups gnomAD compares: African/African-American, 0.0067%; no homozygotes.

Submissions (2):

Ambry Genetics
Classification: Uncertain significance. Last evaluated: 2025-10-29. Review status: criteria provided, single submitter. Criteria: Ambry Variant Classification Scheme 2023. Collection method: clinical testing. Allele origin: germline.

Labcorp Genetics (formerly Invitae), Labcorp
Classification: Uncertain significance. Last evaluated: 2025-02-20. Review status: criteria provided, single submitter. Criteria: Invitae Variant Classification Sherloc (09022015). Collection method: clinical testing. Allele origin: germline.
Comment: This sequence change replaces arginine, which is basic and polar, with cysteine, which is neutral and slightly polar, at codon 414 of the KIF20A protein (p.Arg414Cys). This variant is present in population databases (rs776769165, gnomAD 0.007%). This variant has not been reported in the literature in individuals affected with KIF20A-related conditions. ClinVar contains an entry for this variant (Variation ID: 1411060). An algorithm developed to predict the effect of missense changes on protein structure and function (PolyPhen-2) suggests that this variant is likely to be disruptive. In summary, the available evidence is currently insufficient to determine the role of this variant in disease. Therefore, it has been classified as a Variant of Uncertain Significance.